The following is an entry in ClinVar:

ClinVar aggregate classification (germline): Pathogenic (1 of 4 stars; one submission).

Conditions:
Medium-chain acyl-coenzyme A dehydrogenase deficiency (ACADMD). Also called: ACADM DEFICIENCY; CARNITINE DEFICIENCY SECONDARY TO MEDIUM-CHAIN ACYL-CoA DEHYDROGENASE DEFICIENCY; MCADH DEFICIENCY; MCADD; Medium chain acyl-CoA dehydrogenase deficiency; MCAD Deficiency. Identifiers: Orphanet 42, MedGen C0220710, MONDO:0008721, OMIM 201450.

Submission:

Myriad Genetics, Inc.
Classification: Pathogenic for Medium-chain acyl-coenzyme A dehydrogenase deficiency. Last evaluated: 2026-06-28. Review status: criteria provided, single submitter. Criteria: Myriad Autosomal Dominant, Autosomal Recessive and X-Linked Classification Criteria (2023). Collection method: clinical testing. Allele origin: unknown.
Comment: NM_000016.4(ACADM):c.660delT(G221Dfs*18) is expected to be pathogenic in the context of medium-chain acyl-CoA dehydrogenase deficiency. This variant is predicted to lead to an abnormal or absent protein product due to the creation of a premature termination codon in ACADM, a gene where loss-of-function variants are known to be pathogenic. Please note: this variant was assessed in the context of healthy population screening.

NM_000016.6(ACADM):c.660del (p.Gly221fs)

Gene: ACADM (acyl-CoA dehydrogenase medium chain; plus strand). Cytogenetic location: 1p31.1.
Variant type: Deletion.
Coding change: c.660del on transcript NM_000016.6 (MANE Select); coding-DNA position 660, one base deleted (T; older notation c.660delT).
Protein change: p.Gly221fs; shifts the reading frame from glycine 221.
Molecular consequence: frameshift variant.
Genome position (GRCh38, 1-based): chr1:75,745,866, T deleted. VCF-style (leftmost placement, unchanged base first): chr1-75745865-CT-C. GRCh37 (hg19) VCF-style: chr1-76211550-CT-C.
Other names: c.672del, p.Gly225fs (NM_001127328.3); c.552del, p.Gly185fs (NM_001286042.2); c.759del, p.Gly254fs (NM_001286043.2); c.93del, p.Gly32fs (NM_001286044.2); short protein forms G185fs, G221fs, G225fs, G254fs, G32fs.
Identifiers: ClinVar variation 5016083 (VCV005016083.1).
Genomic context (GRCh38, chr1:75,745,865, plus strand): 5'-GGTATTTTTTATTGGCACGTTCTGATCCAGATCCTAAAGCTCCTGCTAATAAAGCCTTTA[CT>C]GGATTCATTGTGGAAGCAGATACCCCAGGAATTCAGATTGGGAGAAAGGTAAAGTATTTA-3'